The following is an entry in ClinVar:

NM_032119.4(ADGRV1):c.10107del (p.Asp3369fs)

Gene: ADGRV1 (adhesion G protein-coupled receptor V1; plus strand). Cytogenetic location: 5q14.3.
Variant type: Deletion.
Coding change: c.10107del on transcript NM_032119.4 (MANE Select); coding-DNA position 10107, one base deleted (C; older notation c.10107delC).
Protein change: p.Asp3369fs; shifts the reading frame from aspartic acid 3369.
Molecular consequence: frameshift variant. On other transcripts: non-coding transcript variant (1).
Genome position (GRCh38, 1-based): chr5:90,725,602, C deleted. VCF-style (leftmost placement, unchanged base first): chr5-90725601-AC-A. GRCh37 (hg19) VCF-style: chr5-90021418-AC-A.
Other names: short protein forms D3369fs.
Identifiers: ClinVar variation 1424615 (VCV001424615.6), dbSNP rs2149797737, ClinGen allele CA2573139999.

ClinVar aggregate classification (germline): Pathogenic (1 of 4 stars; one submission).

Submission:

Labcorp Genetics (formerly Invitae), Labcorp
Classification: Pathogenic. Last evaluated: 2024-02-23. Review status: criteria provided, single submitter. Criteria: Invitae Variant Classification Sherloc (09022015). Collection method: clinical testing. Allele origin: germline.
Comment: This sequence change creates a premature translational stop signal (p.Asp3369Glufs*6) in the ADGRV1 gene. It is expected to result in an absent or disrupted protein product. Loss-of-function variants in ADGRV1 are known to be pathogenic (PMID: 19357117, 22135276, 22147658, 26226137, 30718709, 31047384, 32467589). This variant is not present in population databases (gnomAD no frequency). This variant has not been reported in the literature in individuals affected with ADGRV1-related conditions. ClinVar contains an entry for this variant (Variation ID: 1424615). For these reasons, this variant has been classified as Pathogenic.

Literature cited by the submitters: PubMed 19357117; PubMed 22135276; PubMed 22147658; PubMed 26226137; PubMed 30718709; PubMed 31047384; PubMed 32467589.